The following is an entry in ClinVar:

ClinVar aggregate classification (germline): Uncertain significance (1 of 4 stars; one submission).

Allele frequency attached by ClinVar (database versions not stated): gnomAD exomes below 0.00001 and 0.00001; ExAC 0.00001; gnomAD 0.00001; TOPMed 0.00001.
gnomAD v4.1: 6 of 1,609,180 alleles (0.00037%); highest among the groups gnomAD compares: Non-Finnish European, 0.00051%; no homozygotes.

Submission:

GeneDx
Classification: Uncertain significance. Last evaluated: 2019-04-24. Review status: criteria provided, single submitter. Criteria: GeneDx Variant Classification Process June 2021. Collection method: clinical testing. Allele origin: germline. Affected: yes.
Comment: Not observed at a significant frequency in large population cohorts (Lek et al., 2016); In-silico analysis, which includes splice predictors and evolutionary conservation, is inconclusive as to whether the variant alters gene splicing. In the absence of RNA/functional studies, the actual effect of this sequence change is unknown.; Has not been previously published as pathogenic or benign to our knowledge

NM_004100.5(EYA4):c.1739-151A>G

Genes: EYA4 (EYA transcriptional coactivator and phosphatase 4; plus strand), TARID (TCF21 antisense RNA inducing promoter demethylation; minus strand). Cytogenetic location: 6q23.2.
Variant type: single nucleotide variant.
Coding change: c.1739-151A>G on transcript NM_004100.5 (MANE Select); 151 bases into the intron before coding-DNA position 1739, A replaced by G.
Molecular consequence: intron variant.
Genome position (GRCh38, 1-based): chr6:133,525,003, A>G. VCF-style: chr6-133525003-A-G. GRCh37 (hg19) VCF-style: chr6-133846141-A-G.
Other names: c.1757-151A>G (NM_001301013.2); c.1739-12A>G (NM_172105.4); c.1670-12A>G (NM_001370458.1); c.1670-151A>G (NM_172103.4); c.1595-151A>G (NM_001370459.1); c.1577-12A>G (NM_001301012.2).
Identifiers: ClinVar variation 1315749 (VCV001315749.2), dbSNP rs752586871, ClinGen allele CA4008454.